The following is an entry in ClinVar:

NM_177438.3(DICER1):c.3417A>T (p.Arg1139Ser)

Gene: DICER1 (dicer 1, ribonuclease III; minus strand). Cytogenetic location: 14q32.13.
Variant type: single nucleotide variant.
Coding change: c.3417A>T on transcript NM_177438.3 (MANE Select); coding-DNA position 3417, A replaced by T.
Protein change: p.Arg1139Ser; replaces arginine 1139 with serine.
Molecular consequence: missense variant.
Genome position (GRCh38, 1-based): chr14:95,103,979, T>A on the plus strand (A>T on the coding strand, the complement: DICER1 is on the minus strand). VCF-style: chr14-95103979-T-A. GRCh37 (hg19) VCF-style: chr14-95570316-T-A.
Other names: c.3417A>T, p.Arg1139Ser (NM_001195573.1, NM_001271282.3, NM_001291628.2 and 1 more transcripts); short protein forms R1139S.
Identifiers: ClinVar variation 412128 (VCV000412128.15), dbSNP rs750104632, ClinGen allele CA7331043.

ClinVar aggregate classification (germline): Uncertain significance. Review status: criteria provided, multiple submitters, no conflicts (2 of 4 stars). 2 submissions from 2 submitters: Uncertain significance (2). Last evaluated 2025-12-19.

Conditions:
Hereditary cancer-predisposing syndrome. Also called: Hereditary neoplastic syndrome; Neoplastic Syndromes, Hereditary; Tumor predisposition; Hereditary Cancer Syndrome. Identifiers: Orphanet 140162, MedGen C0027672, MeSH D009386, MONDO:0015356.
DICER1-related tumor predisposition. Also called: DICER1-related pleuropulmonary blastoma cancer predisposition syndrome; DICER1 syndrome. Identifiers: Orphanet 284343, MedGen C3839822, MONDO:0100216.

Allele frequency attached by ClinVar (database versions not stated): TOPMed below 0.00001; gnomAD 0.00001; gnomAD exomes 0.00002; ExAC 0.00004.
gnomAD v4.1: 18 of 1,614,074 alleles (0.0011%); highest among the groups gnomAD compares: Non-Finnish European, 0.0014%; no homozygotes.

Submissions (2):

Labcorp Genetics (formerly Invitae), Labcorp
Classification: Uncertain significance for DICER1-related tumor predisposition. Last evaluated: 2025-12-19. Review status: criteria provided, single submitter. Criteria: Invitae Variant Classification Sherloc (09022015). Collection method: clinical testing. Allele origin: germline.
Comment: This sequence change replaces arginine, which is basic and polar, with serine, which is neutral and polar, at codon 1139 of the DICER1 protein (p.Arg1139Ser). The frequency data for this variant in the population databases is considered unreliable, as metrics indicate poor data quality at this position in the gnomAD database. This variant has not been reported in the literature in individuals affected with DICER1-related conditions. ClinVar contains an entry for this variant (Variation ID: 412128). Invitae Evidence Modeling of protein sequence and biophysical properties (such as structural, functional, and spatial information, amino acid conservation, physicochemical variation, residue mobility, and thermodynamic stability) indicates that this missense variant is not expected to disrupt DICER1 protein function with a negative predictive value of 95%. In summary, the available evidence is currently insufficient to determine the role of this variant in disease. Therefore, it has been classified as a Variant of Uncertain Significance.

Ambry Genetics
Classification: Uncertain significance for Hereditary cancer-predisposing syndrome. Last evaluated: 2024-08-17. Review status: criteria provided, single submitter. Criteria: Ambry Variant Classification Scheme 2023. Collection method: clinical testing. Allele origin: germline.
Comment: The p.R1139S variant (also known as c.3417A>T), located in coding exon 20 of the DICER1 gene, results from an A to T substitution at nucleotide position 3417. The arginine at codon 1139 is replaced by serine, an amino acid with dissimilar properties. This amino acid position is not well conserved in available vertebrate species. In addition, this alteration is predicted to be tolerated by in silico analysis. Since supporting evidence is limited at this time, the clinical significance of this alteration remains unclear.